The following is an entry in ClinVar:

ClinVar aggregate classification (germline): Uncertain significance (1 of 4 stars; one submission).

Conditions:
Dilated cardiomyopathy 1KK (CMD1KK). Identifiers: Orphanet 154, Orphanet 75249, MedGen C3714995, MONDO:0014100, OMIM 615248.

Allele frequency attached by ClinVar (database versions not stated): ExAC 0.00001; 1000 Genomes Project 30x 0.00016; 1000 Genomes Project 0.00020.
gnomAD v4.1: 1 of 1,601,912 alleles (0.000062%); highest among the groups gnomAD compares: East Asian, 0.0022%; no homozygotes.

Submission:

Labcorp Genetics (formerly Invitae), Labcorp
Classification: Uncertain significance for Dilated cardiomyopathy 1KK. Last evaluated: 2022-04-15. Review status: criteria provided, single submitter. Criteria: Invitae Variant Classification Sherloc (09022015). Collection method: clinical testing. Allele origin: germline.
Comment: Algorithms developed to predict the effect of missense changes on protein structure and function are either unavailable or do not agree on the potential impact of this missense change (SIFT: "Deleterious"; PolyPhen-2: "Possibly Damaging"; Align-GVGD: "Class C0"). In summary, the available evidence is currently insufficient to determine the role of this variant in disease. Therefore, it has been classified as a Variant of Uncertain Significance. This variant has not been reported in the literature in individuals affected with MYPN-related conditions. This variant is present in population databases (rs548754907, gnomAD 0.006%). This sequence change replaces serine, which is neutral and polar, with phenylalanine, which is neutral and non-polar, at codon 1162 of the MYPN protein (p.Ser1162Phe).

NM_032578.4(MYPN):c.3485C>T (p.Ser1162Phe)

Gene: MYPN (myopalladin; plus strand). Cytogenetic location: 10q21.3.
Variant type: single nucleotide variant.
Coding change: c.3485C>T on transcript NM_032578.4 (MANE Select); coding-DNA position 3485, C replaced by T.
Protein change: p.Ser1162Phe; replaces serine 1162 with phenylalanine.
Molecular consequence: missense variant. On other transcripts: non-coding transcript variant (2).
Genome position (GRCh38, 1-based): chr10:68,199,567, C>T. VCF-style: chr10-68199567-C-T. GRCh37 (hg19) VCF-style: chr10-69959324-C-T.
Other names: c.3485C>T, p.Ser1162Phe (NM_001256267.2); c.2603C>T, p.Ser868Phe (NM_001256268.2); short protein forms S868F, S1162F.
Identifiers: ClinVar variation 2157835 (VCV002157835.4), dbSNP rs548754907, ClinGen allele CA5523048.